The following is an entry in ClinVar:

NM_000465.4(BARD1):c.1546T>A (p.Tyr516Asn)

Gene: BARD1 (BRCA1 associated RING domain 1; minus strand). Cytogenetic location: 2q35.
Variant type: single nucleotide variant.
Coding change: c.1546T>A on transcript NM_000465.4 (MANE Select); coding-DNA position 1546, T replaced by A.
Protein change: p.Tyr516Asn; replaces tyrosine 516 with asparagine.
Molecular consequence: missense variant. On other transcripts: non-coding transcript variant (3), intron variant (3).
Genome position (GRCh38, 1-based): chr2:214,767,504, A>T on the plus strand (T>A on the coding strand, the complement: BARD1 is on the minus strand). VCF-style: chr2-214767504-A-T. GRCh37 (hg19) VCF-style: chr2-215632228-A-T.
Other names: c.1489T>A, p.Tyr497Asn (NM_001282543.2); c.159-14949T>A (NM_001282548.2); c.216-14949T>A (NM_001282545.2); c.364+24793T>A (NM_001282549.2); short protein forms Y497N, Y516N.
Identifiers: ClinVar variation 4867410 (VCV004867410.1).

ClinVar aggregate classification (germline): Uncertain significance (1 of 4 stars; one submission).

Conditions:
Hereditary cancer-predisposing syndrome. Also called: Neoplastic Syndromes, Hereditary; Tumor predisposition; Hereditary Cancer Syndrome; Hereditary neoplastic syndrome. Identifiers: Orphanet 140162, MedGen C0027672, MeSH D009386, MONDO:0015356.

Submission:

Ambry Genetics
Classification: Uncertain significance for Hereditary cancer-predisposing syndrome. Last evaluated: 2026-06-12. Review status: criteria provided, single submitter. Criteria: Ambry Variant Classification Scheme 2023. Collection method: clinical testing. Allele origin: germline.
Comment: The p.Y516N variant (also known as c.1546T>A), located in coding exon 6 of the BARD1 gene, results from a T to A substitution at nucleotide position 1546. The tyrosine at codon 516 is replaced by asparagine, an amino acid with dissimilar properties. This amino acid position is conserved. In addition, this alteration is predicted to be tolerated by in silico analysis. Based on the available evidence, the clinical significance of this variant remains unclear.